The following continues an entry in ClinVar:

NM_000051.4(ATM):c.2804C>T (p.Thr935Met)

Gene: ATM. ClinVar aggregate classification (germline): Conflicting classifications of pathogenicity. Uncertain significance (9); Likely benign (5).

Submissions 15 to 17 of 17:

PreventionGenetics, part of Exact Sciences
Classification: Likely benign for ATM-related condition. Last evaluated: 2024-09-13. Review status: no assertion criteria provided. Collection method: clinical testing. Allele origin: germline. Not counted in ClinVar's aggregate classification.
Comment: This variant is classified as likely benign based on ACMG/AMP sequence variant interpretation guidelines (Richards et al. 2015 PMID: 25741868, with internal and published modifications).

Counsyl
Classification: Uncertain significance for Ataxia-telangiectasia syndrome. Last evaluated: 2018-06-04. Review status: no assertion criteria provided. Collection method: clinical testing. Allele origin: unknown. Not counted in ClinVar's aggregate classification.

Department of Pathology and Laboratory Medicine, Sinai Health System
Classification: Uncertain significance for Familial pancreatic carcinoma. Review status: no assertion criteria provided. Collection method: clinical testing. Allele origin: unknown. Affected: yes. Study: The Canadian Open Genetics Repository (COGR). Not counted in ClinVar's aggregate classification.
Comment: The ATM p.Thr935Met variant was identified in 4 of 32596 proband chromosomes (frequency: 0.0001) from individuals or families with breast cancer, colorectal cancer or Lynch syndrome and was present in 1 of 11718 control chromosomes (frequency: 0.0001) from healthy individuals (Decker 2017, Pearlman 2017, Renwick 2006, Yurgelun 2015, Yurgelun 2017). The variant was also identified in dbSNP (ID: rs3218708) as "With Uncertain significance allele", ClinVar (classified as likely benign by Ambry Genetics and Color; and as uncertain significance by Invitae, Counsyl, GeneDx and one other submitter). The variant was not identified in LOVD 3.0. The variant was identified in control databases in 15 of 277146 chromosomes at a frequency of 0.00005 (Genome Aggregation Database Feb 27, 2017). The variant was observed in the following populations: African in 1 of 24034 chromosomes (freq: 0.00004), European in 13 of 126690 chromosomes (freq: 0.0001), and South Asian in 1 of 30782 chromosomes (freq: 0.00003), while the variant was not observed in the Other, Latino, Ashkenazi Jewish, East Asian, or Finnish populations. The p.Thr935 residue is not conserved in mammals and four out of five computational analyses (PolyPhen-2, SIFT, AlignGVGD, BLOSUM, MutationTaster) do not suggest a high likelihood of impact to the protein; however, this information is not predictive enough to rule out pathogenicity. The variant occurs outside of the splicing consensus sequence and in silico or computational prediction software programs (SpliceSiteFinder, MaxEntScan, NNSPLICE, GeneSplicer) do not predict a difference in splicing. In summary, based on the above information, the clinical significance of this variant cannot be determined with certainty at this time. This variant is classified as a variant of uncertain significance.

Literature cited by the submitters: PubMed 25980754 (cited by 3 submitters); PubMed 19781682 (cited by 3 submitters); PubMed 16832357 (cited by 3 submitters); PubMed 27978560 (cited by Women's Health and Genetics/Laboratory Corporation of America, LabCorp and Sema4); PubMed 28135145 (cited by Women's Health and Genetics/Laboratory Corporation of America, LabCorp and Sema4); PubMed 28779002 (cited by Women's Health and Genetics/Laboratory Corporation of America, LabCorp and Sema4); PubMed 36243179 (cited by Women's Health and Genetics/Laboratory Corporation of America, LabCorp); PubMed 35982159 (cited by Women's Health and Genetics/Laboratory Corporation of America, LabCorp); PubMed 25085752 (cited by Myriad Genetics, Inc.); PubMed 33471991 (cited by Sema4); PubMed 31882575 (cited by Sema4); PubMed 29641532 (cited by Sema4).